The following is an entry in ClinVar:

NM_016156.6(MTMR2):c.*2187A>G

Gene: MTMR2 (myotubularin related protein 2; minus strand). Cytogenetic location: 11q21.
Variant type: single nucleotide variant.
Coding change: c.*2187A>G on transcript NM_016156.6 (MANE Select); 2187 bases downstream of the stop codon, A replaced by G.
Molecular consequence: 3 prime UTR variant.
Genome position (GRCh38, 1-based): chr11:95,833,103, T>C on the plus strand (A>G on the coding strand, the complement: MTMR2 is on the minus strand). VCF-style: chr11-95833103-T-C. GRCh37 (hg19) VCF-style: chr11-95566267-T-C.
Other names: c.*2187A>G (NM_001243571.2, NM_201278.3, NM_201281.3).
Identifiers: ClinVar variation 306502 (VCV000306502.5), dbSNP rs141738388, ClinGen allele CA10640519.

ClinVar aggregate classification (germline): Likely benign (1 of 4 stars; one submission).

Conditions:
Charcot-Marie-Tooth disease type 4B1. Also called: CHARCOT-MARIE-TOOTH DISEASE, AUTOSOMAL RECESSIVE, WITH FOCALLY FOLDED MYELIN SHEATHS, AUTOSOMAL RECESSIVE, TYPE 4B1; CHARCOT-MARIE-TOOTH DISEASE, TYPE 4B; Charcot-Marie-Tooth Neuropathy Type 4B1; CHARCOT-MARIE-TOOTH DISEASE, DEMYELINATING, TYPE 4B1. Identifiers: Orphanet 99955, MedGen C1832399, MONDO:0011066, OMIM 601382.

Allele frequency attached by ClinVar (database versions not stated): gnomAD 0.00232 and 0.00241; TOPMed 0.00243; 1000 Genomes Project 0.00260; 1000 Genomes Project 30x 0.00297.

Submission:

Illumina Laboratory Services, Illumina
Classification: Likely benign for Charcot-Marie-Tooth disease type 4B1. Last evaluated: 2018-01-12. Review status: criteria provided, single submitter. Criteria: ICSL Variant Classification Criteria 13 December 2019. Collection method: clinical testing. Allele origin: germline.
Comment: This variant was observed in the ICSL laboratory as part of a predisposition screen in an ostensibly healthy population. It had not been previously curated by ICSL or reported in the Human Gene Mutation Database (HGMD: prior to June 1st, 2018), and was therefore a candidate for classification through an automated scoring system. Utilizing variant allele frequency, disease prevalence and penetrance estimates, and inheritance mode, an automated score was calculated to assess if this variant is too frequent to cause the disease. Based on the score and internal cut-off values, a variant classified as likely benign is not then subjected to further curation. The score for this variant resulted in a classification of likely benign for this disease.